The following is an entry in ClinVar:

NM_018699.4(PRDM5):c.1168G>A (p.Val390Ile)

Gene: PRDM5 (PR/SET domain 5; minus strand). Cytogenetic location: 4q27.
Variant type: single nucleotide variant.
Coding change: c.1168G>A on transcript NM_018699.4 (MANE Select); coding-DNA position 1168, G replaced by A.
Protein change: p.Val390Ile; replaces valine 390 with isoleucine.
Molecular consequence: missense variant.
Genome position (GRCh38, 1-based): chr4:120,798,287, C>T on the plus strand (G>A on the coding strand, the complement: PRDM5 is on the minus strand). VCF-style: chr4-120798287-C-T. GRCh37 (hg19) VCF-style: chr4-121719442-C-T.
Other names: c.1075G>A, p.Val359Ile (NM_001300823.2, NM_001300824.2, NM_001379106.1); c.1201G>A, p.Val401Ile (NM_001379104.1); short protein forms V401I, V359I, V390I.
Identifiers: ClinVar variation 5027266 (VCV005027266.1).
Genomic context (GRCh38, chr4:120,798,287, plus strand): 5'-CAAATTCATAAAAAATAATAATAATATTAATAAGTTTTACCTTCTTATGATTCTTGTAAA[C>T]ATTTCTGTGGGCAAATCCCTTTCCACAAAGTTTGCATTTGTAAGGTTTGTCTTCGCTGTG-3'
Protein context (NP_061169.2, residues 380-400): LCGKGFAHRN[Val390Ile]YKNHKKTHSE

ClinVar aggregate classification (germline): Uncertain significance (1 of 4 stars; one submission).

Conditions:
Cardiovascular phenotype. Identifiers: MedGen CN230736.

gnomAD v4.1: 6 of 1,605,240 alleles (0.00037%); highest among the groups gnomAD compares: South Asian, 0.0045%; no homozygotes.

Submission:

Ambry Genetics
Classification: Uncertain significance for Cardiovascular phenotype. Last evaluated: 2026-07-26. Review status: criteria provided, single submitter. Criteria: Ambry Variant Classification Scheme 2023. Collection method: clinical testing. Allele origin: germline.
Comment: The p.V390I variant (also known as c.1168G>A), located in coding exon 10 of the PRDM5 gene, results from a G to A substitution at nucleotide position 1168. The valine at codon 390 is replaced by isoleucine, an amino acid with highly similar properties. This amino acid position is conserved. In addition, this alteration is predicted to be tolerated by in silico analysis. Based on the available evidence, the clinical significance of this variant remains unclear.